The following is an entry in ClinVar:

ClinVar aggregate classification (germline): Likely pathogenic (1 of 4 stars; one submission).

Conditions:
Fanconi anemia complementation group C (FANCC). Also called: Fanconi anemia, group C; FANCONI PANCYTOPENIA, TYPE 3; FACC; FANCC-Related Fanconi Anemia. Identifiers: Orphanet 84, MedGen C3468041, MONDO:0009213, OMIM 227645.

Submission:

Myriad Genetics, Inc.
Classification: Likely pathogenic for Fanconi anemia complementation group C. Last evaluated: 2019-10-24. Review status: criteria provided, single submitter. Criteria: Myriad Women's Health Autosomal Recessive and X-Linked Classification Criteria (2019). Collection method: clinical testing. Allele origin: unknown.
Comment: NM_000136.2(FANCC):c.353T>A(L118*) is expected to be pathogenic in the context of Fanconi anemia, FANCC-related. This variant is predicted to lead to an abnormal or absent protein product due to the creation of a premature termination codon in FANCC, a gene where loss-of-function variants are known to be pathogenic. Please note: this variant was assessed in the context of healthy population screening.

NM_000136.3(FANCC):c.353T>A (p.Leu118Ter)

Gene: FANCC (FA complementation group C; minus strand). Cytogenetic location: 9q22.32.
Variant type: single nucleotide variant.
Coding change: c.353T>A on transcript NM_000136.3 (MANE Select); coding-DNA position 353, T replaced by A.
Protein change: p.Leu118Ter; replaces leucine 118 with a stop codon.
Molecular consequence: nonsense.
Genome position (GRCh38, 1-based): chr9:95,172,140, A>T on the plus strand (T>A on the coding strand, the complement: FANCC is on the minus strand). VCF-style: chr9-95172140-A-T. GRCh37 (hg19) VCF-style: chr9-97934422-A-T.
Other names: c.353T>A, p.Leu118Ter (NM_001243743.2, NM_001243744.2); short protein forms L118*.
Identifiers: ClinVar variation 983716 (VCV000983716.3), dbSNP rs1825725461, ClinGen allele CA374338907.